The following is an entry in ClinVar:

NM_139343.3(BIN1):c.279T>A (p.Asp93Glu)

Gene: BIN1 (bridging integrator 1; minus strand). Cytogenetic location: 2q14.3.
Variant type: single nucleotide variant.
Coding change: c.279T>A on transcript NM_139343.3 (MANE Select); coding-DNA position 279, T replaced by A.
Protein change: p.Asp93Glu; replaces aspartic acid 93 with glutamic acid.
Molecular consequence: missense variant.
Genome position (GRCh38, 1-based): chr2:127,070,589, A>T on the plus strand (T>A on the coding strand, the complement: BIN1 is on the minus strand). VCF-style: chr2-127070589-A-T. GRCh37 (hg19) VCF-style: chr2-127828165-A-T.
Other names: c.279T>A, p.Asp93Glu (NM_001320632.2, NM_001320633.2, NM_001320640.2 and 10 more transcripts); c.207T>A, p.Asp69Glu (NM_001320634.1); c.198T>A, p.Asp66Glu (NM_001320642.1); short protein forms D66E, D93E, D69E.
Identifiers: ClinVar variation 963905 (VCV000963905.11), dbSNP rs770994335, ClinGen allele CA348369413.

ClinVar aggregate classification (germline): Uncertain significance. Review status: criteria provided, multiple submitters, no conflicts (2 of 4 stars). 2 submissions from 2 submitters: Uncertain significance (2). Last evaluated 2025-07-20.

Conditions:
Myopathy, centronuclear, 2 (CNM2). Also called: MYOTUBULAR MYOPATHY, AUTOSOMAL RECESSIVE. Identifiers: Orphanet 169186, MedGen CN031787, MONDO:0009709, OMIM 255200.

Allele frequency attached by ClinVar (database versions not stated): TOPMed 0.00001.
gnomAD v4.1: 25 of 1,614,150 alleles (0.0015%); highest among the groups gnomAD compares: Non-Finnish European, 0.0019%; no homozygotes.

Submissions (2):

Labcorp Genetics (formerly Invitae), Labcorp
Classification: Uncertain significance for Myopathy, centronuclear, 2. Last evaluated: 2025-07-20. Review status: criteria provided, single submitter. Criteria: Invitae Variant Classification Sherloc (09022015). Collection method: clinical testing. Allele origin: germline.
Comment: This sequence change replaces aspartic acid, which is acidic and polar, with glutamic acid, which is acidic and polar, at codon 93 of the BIN1 protein (p.Asp93Glu). This variant is present in population databases (no rsID available, gnomAD 0.0009%). This variant has not been reported in the literature in individuals affected with BIN1-related conditions. ClinVar contains an entry for this variant (Variation ID: 963905). Invitae Evidence Modeling of protein sequence and biophysical properties (such as structural, functional, and spatial information, amino acid conservation, physicochemical variation, residue mobility, and thermodynamic stability) indicates that this missense variant is not expected to disrupt BIN1 protein function with a negative predictive value of 80%. In summary, the available evidence is currently insufficient to determine the role of this variant in disease. Therefore, it has been classified as a Variant of Uncertain Significance.

GeneDx
Classification: Uncertain significance. Last evaluated: 2019-11-25. Review status: criteria provided, single submitter. Criteria: GeneDx Variant Classification Process June 2021. Collection method: clinical testing. Allele origin: germline. Affected: yes.
Comment: Has not been previously published as pathogenic or benign to our knowledge; Not observed at a significant frequency in large population cohorts (Lek et al., 2016); In silico analysis, which includes protein predictors and evolutionary conservation, supports a deleterious effect; The majority of missense variants in this gene are considered pathogenic (Stenson et al., 2014)